The following is an entry in ClinVar:

ClinVar aggregate classification (germline): Uncertain significance (1 of 4 stars; one submission).

Conditions:
Teebi hypertelorism syndrome 2 (TBHS2). Identifiers: MedGen C5676911, MONDO:0030674, OMIM 619736.

Submission:

Dasa
Classification: Uncertain significance for Teebi hypertelorism syndrome 2. Last evaluated: 2025-03-18. Review status: criteria provided, single submitter. Criteria: DASA Assertion Criteria. Collection method: clinical testing. Allele origin: germline.
Comment: NM_001797.4(CDH11):c.1600G>C (p.Glu534Gln) is a missense variant that results in the substitution of glutamic acid with glutamine. This variant is absent from population databases. Computational prediction algorithms are consistent with a benign effect. The currently available literature and clinical evidence are not sufficient to establish a definitive association between this variant and the reported condition. Therefore, this variant is classified as a variant of uncertain significance.

NM_001797.4(CDH11):c.1600G>C (p.Glu534Gln)

Gene: CDH11 (cadherin 11; minus strand). Cytogenetic location: 16q21.
Variant type: single nucleotide variant.
Coding change: c.1600G>C on transcript NM_001797.4 (MANE Select); coding-DNA position 1600, G replaced by C.
Protein change: p.Glu534Gln; replaces glutamic acid 534 with glutamine.
Molecular consequence: missense variant.
Genome position (GRCh38, 1-based): chr16:64,971,621, C>G on the plus strand (G>C on the coding strand, the complement: CDH11 is on the minus strand). VCF-style: chr16-64971621-C-G. GRCh37 (hg19) VCF-style: chr16-65005524-C-G.
Other names: c.1600G>C, p.Glu534Gln (NM_001308392.2); c.1222G>C, p.Glu408Gln (NM_001330576.2); short protein forms E408Q, E534Q.
Identifiers: ClinVar variation 4883286 (VCV004883286.2).